The following is an entry in ClinVar:

ClinVar aggregate classification (germline): Uncertain significance (1 of 4 stars; one submission).

Conditions:
Mucopolysaccharidosis, MPS-II (MPS2). Also called: Mucopolysaccharidosis type 2; Attenuated MPS (subtype; formerly known as mild MPS II); Severe MPS II; I2S deficiency; MPS 2; Hunter Syndrome. Identifiers: Orphanet 580, Orphanet 79388, MedGen C0026705, MONDO:0010674, OMIM 309900.

Allele frequency attached by ClinVar (database versions not stated): TOPMed 0.00001.

Submission:

Labcorp Genetics (formerly Invitae), Labcorp
Classification: Uncertain significance for Mucopolysaccharidosis, MPS-II. Last evaluated: 2022-06-08. Review status: criteria provided, single submitter. Criteria: Invitae Variant Classification Sherloc (09022015). Collection method: clinical testing. Allele origin: germline.
Comment: In summary, the available evidence is currently insufficient to determine the role of this variant in disease. Therefore, it has been classified as a Variant of Uncertain Significance. Advanced modeling of protein sequence and biophysical properties (such as structural, functional, and spatial information, amino acid conservation, physicochemical variation, residue mobility, and thermodynamic stability) performed at Invitae indicates that this missense variant is expected to disrupt IDS protein function. This variant has not been reported in the literature in individuals affected with IDS-related conditions. This variant is not present in population databases (gnomAD no frequency). This sequence change replaces serine, which is neutral and polar, with phenylalanine, which is neutral and non-polar, at codon 405 of the IDS protein (p.Ser405Phe).

NM_000202.8(IDS):c.1214C>T (p.Ser405Phe)

Gene: IDS (iduronate 2-sulfatase; minus strand). Cytogenetic location: Xq28.
Variant type: single nucleotide variant.
Coding change: c.1214C>T on transcript NM_000202.8 (MANE Select); coding-DNA position 1214, C replaced by T.
Protein change: p.Ser405Phe; replaces serine 405 with phenylalanine.
Molecular consequence: missense variant.
Genome position (GRCh38, 1-based): chrX:149,483,185, G>A on the plus strand (C>T on the coding strand, the complement: IDS is on the minus strand). VCF-style: chrX-149483185-G-A. GRCh37 (hg19) VCF-style: chrX-148564716-G-A.
Other names: c.944C>T, p.Ser315Phe (NM_001166550.4); short protein forms S405F, S315F.
Identifiers: ClinVar variation 2163508 (VCV002163508.4), dbSNP rs2089308207, ClinGen allele CA414518563.
Genomic context (GRCh38, chrX:149,483,185, plus strand): 5'-GGAACGGGGCAGCGAGGTGGAACCTGCAGTCCTGCAAGTCCAGCCAGCGTGGGAAAAAGA[G>A]ACACAAGTTCCACAAGGTCCATGGATTGCCTGCCTGAAACAGGAAGCGACAGAGCAGAAT-3'
Protein context (NP_000193.1, residues 395-415): RQSMDLVELV[Ser405Phe]LFPTLAGLAG